The following is an entry in ClinVar:

NM_000455.5(STK11):c.466_477del (p.Tyr156_Gln159del)

Gene: STK11 (serine/threonine kinase 11; plus strand). Cytogenetic location: 19p13.3.
Variant type: Deletion.
Coding change: c.466_477del on transcript NM_000455.5 (MANE Select); coding-DNA positions 466 to 477, 12 bases deleted (TACTTCTGTCAG).
Protein change: p.Tyr156_Gln159del.
Molecular consequence: inframe deletion.
Genome position (GRCh38, 1-based): chr19:1,220,374-1,220,385, TACTTCTGTCAG deleted; deleting any 12 consecutive bases within chr19:1,220,373-1,220,385 gives the same sequence; the c. name uses the placement nearest the transcript's 3' end. VCF-style (leftmost placement, unchanged base first): chr19-1220372-GGTACTTCTGTCA-G. GRCh37 (hg19) VCF-style: chr19-1220371-GGTACTTCTGTCA-G.
Identifiers: ClinVar variation 1503175 (VCV001503175.6), dbSNP rs2145424107, ClinGen allele CA2573155759.

ClinVar aggregate classification (germline): Uncertain significance (1 of 4 stars; one submission).

Conditions:
Peutz-Jeghers syndrome (PJS). Also called: POLYPOSIS, HAMARTOMATOUS INTESTINAL; POLYPS-AND-SPOTS SYNDROME; Peutz-Jeghers polyposis; Periorificial lentiginosis syndrome. Identifiers: Orphanet 2869, MedGen C0031269, MeSH D010580, MONDO:0008280, OMIM 175200.

Submission:

Labcorp Genetics (formerly Invitae), Labcorp
Classification: Uncertain significance for Peutz-Jeghers syndrome. Last evaluated: 2021-09-04. Review status: criteria provided, single submitter. Criteria: Invitae Variant Classification Sherloc (09022015). Collection method: clinical testing. Allele origin: germline.
Comment: This variant has not been reported in the literature in individuals affected with STK11-related conditions. In summary, the available evidence is currently insufficient to determine the role of this variant in disease. Therefore, it has been classified as a Variant of Uncertain Significance. Experimental studies and prediction algorithms are not available or were not evaluated, and the functional significance of this variant is currently unknown. This variant is not present in population databases (ExAC no frequency). This variant, c.466_477del, results in the deletion of 4 amino acid(s) of the STK11 protein (p.Tyr156_Gln159del), but otherwise preserves the integrity of the reading frame.